The following is an entry in ClinVar:

NM_012120.3(CD2AP):c.1274+3A>G

Gene: CD2AP (CD2 associated protein; plus strand). Cytogenetic location: 6p12.3.
Variant type: single nucleotide variant.
Coding change: c.1274+3A>G on transcript NM_012120.3 (MANE Select); 3 bases into the intron after coding-DNA position 1274, A replaced by G.
Molecular consequence: intron variant.
Genome position (GRCh38, 1-based): chr6:47,596,029, A>G. VCF-style: chr6-47596029-A-G. GRCh37 (hg19) VCF-style: chr6-47563765-A-G.
Identifiers: ClinVar variation 1423128 (VCV001423128.7), dbSNP rs369536196, ClinGen allele CA3844268.

ClinVar aggregate classification (germline): Uncertain significance. Review status: criteria provided, multiple submitters, no conflicts (2 of 4 stars). 2 submissions from 2 submitters: Uncertain significance (2). Last evaluated 2025-06-12.

Conditions:
Focal segmental glomerulosclerosis 3, susceptibility to (FSGS3). Identifiers: Orphanet 656, MedGen C1842982, MONDO:0011917, OMIM 607832.

Allele frequency attached by ClinVar (database versions not stated): gnomAD exomes 0.00003 and 0.00014; ExAC 0.00014; 1000 Genomes Project 30x 0.00016; gnomAD 0.00030 and 0.00036; TOPMed 0.00031; ESP Exome Variant Server 0.00046.
gnomAD v4.1: 101 of 1,608,426 alleles (0.0063%); highest among the groups gnomAD compares: African/African-American, 0.079%; no homozygotes.

Submissions (2):

Labcorp Genetics (formerly Invitae), Labcorp
Classification: Uncertain significance. Last evaluated: 2025-06-12. Review status: criteria provided, single submitter. Criteria: Invitae Variant Classification Sherloc (09022015). Collection method: clinical testing. Allele origin: germline.
Comment: This sequence change falls in intron 12 of the CD2AP gene. It does not directly change the encoded amino acid sequence of the CD2AP protein. It affects a nucleotide within the consensus splice site. This variant is present in population databases (rs369536196, gnomAD 0.1%). This variant has not been reported in the literature in individuals affected with CD2AP-related conditions. ClinVar contains an entry for this variant (Variation ID: 1423128). Variants that disrupt the consensus splice site are a relatively common cause of aberrant splicing (PMID: 17576681, 9536098). Algorithms developed to predict the effect of sequence changes on RNA splicing suggest that this variant is not likely to affect RNA splicing. In summary, the available evidence is currently insufficient to determine the role of this variant in disease. Therefore, it has been classified as a Variant of Uncertain Significance.

Fulgent Genetics
Classification: Uncertain significance for Focal segmental glomerulosclerosis 3, susceptibility to. Last evaluated: 2024-03-21. Review status: criteria provided, single submitter. Criteria: ACMG Guidelines, 2015. Collection method: clinical testing. Allele origin: germline.

Literature cited by the submitters: PubMed 17576681 (cited by Labcorp Genetics (formerly Invitae), Labcorp); PubMed 9536098 (cited by Labcorp Genetics (formerly Invitae), Labcorp).